The following is an entry in ClinVar:

ClinVar aggregate classification (germline): Uncertain significance (1 of 4 stars; one submission).

Conditions:
DOCK2 deficiency. Also called: Immunodeficiency 40. Identifiers: Orphanet 447737, MedGen C4225328, MONDO:0014637, OMIM 616433.

Allele frequency attached by ClinVar (database versions not stated): gnomAD exomes below 0.00001.
gnomAD v4.1: 1 of 1,614,002 alleles (0.000062%); highest among the groups gnomAD compares: Non-Finnish European, 0.000085%; no homozygotes.

Submission:

Labcorp Genetics (formerly Invitae), Labcorp
Classification: Uncertain significance for DOCK2 deficiency. Last evaluated: 2020-10-27. Review status: criteria provided, single submitter. Criteria: Invitae Variant Classification Sherloc (09022015). Collection method: clinical testing. Allele origin: germline.
Comment: This sequence change replaces asparagine with serine at codon 1012 of the DOCK2 protein (p.Asn1012Ser). The asparagine residue is moderately conserved and there is a small physicochemical difference between asparagine and serine. This variant is not present in population databases (ExAC no frequency). This variant has not been reported in the literature in individuals with DOCK2-related conditions. Algorithms developed to predict the effect of missense changes on protein structure and function (SIFT, PolyPhen-2, Align-GVGD) all suggest that this variant is likely to be tolerated, but these predictions have not been confirmed by published functional studies and their clinical significance is uncertain. In summary, the available evidence is currently insufficient to determine the role of this variant in disease. Therefore, it has been classified as a Variant of Uncertain Significance.

NM_004946.3(DOCK2):c.3035A>G (p.Asn1012Ser)

Gene: DOCK2 (dedicator of cytokinesis 2; plus strand). Cytogenetic location: 5q35.1.
Variant type: single nucleotide variant.
Coding change: c.3035A>G on transcript NM_004946.3 (MANE Select); coding-DNA position 3035, A replaced by G.
Protein change: p.Asn1012Ser; replaces asparagine 1012 with serine.
Molecular consequence: missense variant. On other transcripts: non-coding transcript variant (1).
Genome position (GRCh38, 1-based): chr5:169,996,127, A>G. VCF-style: chr5-169996127-A-G. GRCh37 (hg19) VCF-style: chr5-169423131-A-G.
Other names: short protein forms N1012S.
Identifiers: ClinVar variation 1478857 (VCV001478857.8), dbSNP rs2113798027, ClinGen allele CA362102923.
Genomic context (GRCh38, chr5:169,996,127, plus strand): 5'-ATTTTCTGCCCTCTTCCAGGGTCTTCCTGAGAGCTATCAACAAGTTTGCAGAAACCATGA[A>G]CCAGAAGTTCCTAGAACACACGAACTTTGAGTTCCAGGTGAGTATAAGCCACCAGAGCTA-3'
Protein context (NP_004937.1, residues 1002-1022): RAINKFAETM[Asn1012Ser]QKFLEHTNFE